The following is an entry in ClinVar:

NM_006269.2(RP1):c.151G>C (p.Val51Leu)

Gene: RP1 (RP1 axonemal microtubule associated; plus strand). Cytogenetic location: 8q12.1.
Variant type: single nucleotide variant.
Coding change: c.151G>C on transcript NM_006269.2 (MANE Select); coding-DNA position 151, G replaced by C.
Protein change: p.Val51Leu; replaces valine 51 with leucine.
Molecular consequence: missense variant.
Genome position (GRCh38, 1-based): chr8:54,621,117, G>C. VCF-style: chr8-54621117-G-C. GRCh37 (hg19) VCF-style: chr8-55533677-G-C.
Other names: c.151G>C, p.Val51Leu (NM_001375654.1); short protein forms V51L.
Identifiers: ClinVar variation 2709693 (VCV002709693.3), dbSNP rs2536555637, ClinGen allele CA370985710.

ClinVar aggregate classification (germline): Uncertain significance (1 of 4 stars; one submission).

Submission:

Labcorp Genetics (formerly Invitae), Labcorp
Classification: Uncertain significance. Last evaluated: 2024-01-16. Review status: criteria provided, single submitter. Criteria: Invitae Variant Classification Sherloc (09022015). Collection method: clinical testing. Allele origin: germline.
Comment: This sequence change replaces valine, which is neutral and non-polar, with leucine, which is neutral and non-polar, at codon 51 of the RP1 protein (p.Val51Leu). This variant is not present in population databases (gnomAD no frequency). This variant has not been reported in the literature in individuals affected with RP1-related conditions. An algorithm developed to predict the effect of missense changes on protein structure and function (PolyPhen-2) suggests that this variant is likely to be tolerated. In summary, the available evidence is currently insufficient to determine the role of this variant in disease. Therefore, it has been classified as a Variant of Uncertain Significance.